The following is an entry in ClinVar:

NM_017588.3(WDR5):c.391T>G (p.Tyr131Asp)

Gene: WDR5 (WD repeat domain 5; plus strand). Cytogenetic location: 9q34.2.
Variant type: single nucleotide variant.
Coding change: c.391T>G on transcript NM_017588.3 (MANE Select); coding-DNA position 391, T replaced by G.
Protein change: p.Tyr131Asp; replaces tyrosine 131 with aspartic acid.
Molecular consequence: missense variant.
Genome position (GRCh38, 1-based): chr9:134,142,369, T>G. VCF-style: chr9-134142369-T-G. GRCh37 (hg19) VCF-style: chr9-137007491-T-G.
Other names: c.391T>G, p.Tyr131Asp (NM_001384409.1, NM_001384410.1, NM_001384411.1 and 6 more transcripts); c.382T>G, p.Tyr128Asp (NM_001384417.1); c.262T>G, p.Tyr88Asp (NM_001384418.1, NM_001384419.1); short protein forms Y128D, Y131D, Y88D.
Identifiers: ClinVar variation 3368624 (VCV003368624.2).

ClinVar aggregate classification (germline): Uncertain significance (1 of 4 stars; one submission).

Submission:

GeneDx
Classification: Uncertain significance. Last evaluated: 2025-06-22. Review status: criteria provided, single submitter. Criteria: GeneDx Variant Classification Process June 2021. Collection method: clinical testing. Allele origin: germline.
Comment: Not observed at significant frequency in large population cohorts (gnomAD); In silico analysis supports that this missense variant has a deleterious effect on protein structure/function; Has not been previously published as pathogenic or benign to our knowledge